The following is an entry in ClinVar:

NM_032737.4(LMNB2):c.631C>T (p.Arg211Cys)

Gene: LMNB2 (lamin B2; minus strand). Cytogenetic location: 19p13.3.
Variant type: single nucleotide variant.
Coding change: c.631C>T on transcript NM_032737.4 (MANE Select); coding-DNA position 631, C replaced by T.
Protein change: p.Arg211Cys; replaces arginine 211 with cysteine.
Molecular consequence: missense variant.
Genome position (GRCh38, 1-based): chr19:2,438,216, G>A on the plus strand (C>T on the coding strand, the complement: LMNB2 is on the minus strand). VCF-style: chr19-2438216-G-A. GRCh37 (hg19) VCF-style: chr19-2438214-G-A.
Other names: c.571C>T (NM_032737.2); short protein forms R211C.
Identifiers: ClinVar variation 2923007 (VCV002923007.4), dbSNP rs977697434, ClinGen allele CA304229993.

ClinVar aggregate classification (germline): Uncertain significance. Review status: criteria provided, multiple submitters, no conflicts (2 of 4 stars). 2 submissions from 2 submitters: Uncertain significance (2). Last evaluated 2024-12-04.

Conditions:
Progressive myoclonic epilepsy type 9. Identifiers: Orphanet 457265, MedGen C4225289, MONDO:0014685, OMIM 616540.
Lipodystrophy, partial, acquired, susceptibility to (APLD). Also called: APLD, SUSCEPTIBILITY TO. Identifiers: MedGen C3887501, MONDO:0100476, OMIM 608709.

Allele frequency attached by ClinVar (database versions not stated): gnomAD exomes below 0.00001; gnomAD 0.00001.

Submissions (2):

Ambry Genetics
Classification: Uncertain significance. Last evaluated: 2024-12-04. Review status: criteria provided, single submitter. Criteria: Ambry Variant Classification Scheme 2023. Collection method: clinical testing. Allele origin: germline.

Labcorp Genetics (formerly Invitae), Labcorp
Classification: Uncertain significance for Progressive myoclonic epilepsy type 9; Lipodystrophy, partial, acquired, susceptibility to. Last evaluated: 2024-01-22. Review status: criteria provided, single submitter. Criteria: Invitae Variant Classification Sherloc (09022015). Collection method: clinical testing. Allele origin: germline.
Comment: This sequence change replaces arginine, which is basic and polar, with cysteine, which is neutral and slightly polar, at codon 211 of the LMNB2 protein (p.Arg211Cys). This variant is present in population databases (no rsID available, gnomAD 0.0009%). This variant has not been reported in the literature in individuals affected with LMNB2-related conditions. Advanced modeling of protein sequence and biophysical properties (such as structural, functional, and spatial information, amino acid conservation, physicochemical variation, residue mobility, and thermodynamic stability) performed at Invitae indicates that this missense variant is expected to disrupt LMNB2 protein function with a positive predictive value of 80%. In summary, the available evidence is currently insufficient to determine the role of this variant in disease. Therefore, it has been classified as a Variant of Uncertain Significance.